The following is an entry in ClinVar:

ClinVar aggregate classification (germline): Uncertain significance (1 of 4 stars; one submission).

Conditions:
Hereditary nonpolyposis colorectal neoplasms. Identifiers: MedGen C0009405, MeSH D003123.

Submission:

Labcorp Genetics (formerly Invitae), Labcorp
Classification: Uncertain significance for Hereditary nonpolyposis colorectal neoplasms. Last evaluated: 2025-05-26. Review status: criteria provided, single submitter. Criteria: Invitae Variant Classification Sherloc (09022015). Collection method: clinical testing. Allele origin: germline.
Comment: This sequence change replaces proline, which is neutral and non-polar, with arginine, which is basic and polar, at codon 903 of the MSH6 protein (p.Pro903Arg). This variant is not present in population databases (gnomAD no frequency). This variant has not been reported in the literature in individuals affected with MSH6-related conditions. ClinVar contains an entry for this variant (Variation ID: 2105842). Invitae Evidence Modeling of protein sequence and biophysical properties (such as structural, functional, and spatial information, amino acid conservation, physicochemical variation, residue mobility, and thermodynamic stability) has been performed for this missense variant. However, the output from this modeling did not meet the statistical confidence thresholds required to predict the impact of this variant on MSH6 protein function. In summary, the available evidence is currently insufficient to determine the role of this variant in disease. Therefore, it has been classified as a Variant of Uncertain Significance.

NM_000179.3(MSH6):c.2708C>G (p.Pro903Arg)

Gene: MSH6 (mutS homolog 6; plus strand). Cytogenetic location: 2p16.3.
Variant type: single nucleotide variant.
Coding change: c.2708C>G on transcript NM_000179.3 (MANE Select); coding-DNA position 2708, C replaced by G.
Protein change: p.Pro903Arg; replaces proline 903 with arginine.
Molecular consequence: missense variant.
Genome position (GRCh38, 1-based): chr2:47,800,691, C>G. VCF-style: chr2-47800691-C-G. GRCh37 (hg19) VCF-style: chr2-48027830-C-G.
Other names: c.2318C>G, p.Pro773Arg (NM_001281492.2); c.1802C>G, p.Pro601Arg (NM_001281493.2, NM_001281494.2, NM_001406816.1 and 6 more transcripts); c.2804C>G, p.Pro935Arg (NM_001406795.1, NM_001406802.1); c.2708C>G, p.Pro903Arg (NM_001406796.1, NM_001406798.1, NM_001406800.1 and 2 more transcripts); c.2411C>G, p.Pro804Arg (NM_001406797.1, NM_001406801.1, NM_001406818.1 and 10 more transcripts); c.2183C>G, p.Pro728Arg (NM_001406799.1, NM_001406806.1, NM_001406807.1); c.2630C>G, p.Pro877Arg (NM_001406804.1); c.2540C>G, p.Pro847Arg (NM_001406826.1); and 2 more; short protein forms P728R, P847R, P905R, P218R, P773R, P804R, P877R, P903R.
Identifiers: ClinVar variation 2105842 (VCV002105842.4), dbSNP rs1060502919, ClinGen allele CA346755334.
Genomic context (GRCh38, chr2:47,800,691, plus strand): 5'-AGTCTAAAATCCTTAAGCAGGTCATCTCTCTGCAGACAAAAAATCCTGAAGGTCGTTTTC[C>G]TGATTTGACTGTAGAATTGAACCGATGGGATACAGCCTTTGACCATGAAAAGGCTCGAAA-3'
Protein context (NP_000170.1, residues 893-913): LQTKNPEGRF[Pro903Arg]DLTVELNRWD